The following is an entry in ClinVar:

ClinVar aggregate classification (germline): Conflicting classifications of pathogenicity. Review status: criteria provided, conflicting classifications (1 of 4 stars). 3 submissions from 3 submitters: Uncertain significance (2); Likely benign (1). Last evaluated 2026-06-09.

Conditions:
Inborn genetic diseases. Identifiers: MedGen C0950123, MeSH D030342.
Tumor predisposition syndrome 2 (TPDS2). Also called: MBD4-ASSOCIATED NEOPLASIA SYNDROME; MBD4-Related Tumor Predisposition Syndrome; MBD4-associated neoplasia syndrome (MANS). Identifiers: Orphanet 661526, MedGen C5774186, MONDO:0859267, OMIM 619975.

Allele frequency attached by ClinVar (database versions not stated): gnomAD exomes 0.00001; gnomAD 0.00003; TOPMed 0.00004.

Submissions (3):

Myriad Genetics, Inc.
Classification: Likely benign for Tumor predisposition syndrome 2. Last evaluated: 2026-06-09. Review status: criteria provided, single submitter. Criteria: Myriad Autosomal Dominant, Autosomal Recessive and X-Linked Classification Criteria (2023). Collection method: clinical testing. Allele origin: unknown.
Comment: This variant is considered likely benign. This variant is intronic and is not expected to impact mRNA splicing.

Labcorp Genetics (formerly Invitae), Labcorp
Classification: Uncertain significance. Last evaluated: 2026-01-20. Review status: criteria provided, single submitter. Criteria: Invitae Variant Classification Sherloc (09022015). Collection method: clinical testing. Allele origin: germline.
Comment: This sequence change falls in intron 7 of the MBD4 gene. It does not directly change the encoded amino acid sequence of the MBD4 protein. It affects a nucleotide within the consensus splice site. This variant is not present in population databases (gnomAD no frequency). This variant has not been reported in the literature in individuals affected with MBD4-related conditions. ClinVar contains an entry for this variant (Variation ID: 3017227). Variants that disrupt the consensus splice site are a relatively common cause of aberrant splicing (PMID: 17576681, 9536098). Algorithms developed to predict the effect of sequence changes on RNA splicing suggest that this variant is not likely to affect RNA splicing. In summary, the available evidence is currently insufficient to determine the role of this variant in disease. Therefore, it has been classified as a Variant of Uncertain Significance.

Ambry Genetics
Classification: Uncertain significance for Inborn genetic diseases. Last evaluated: 2025-04-09. Review status: criteria provided, single submitter. Criteria: Ambry Variant Classification Scheme 2023. Collection method: clinical testing. Allele origin: germline.
Comment: The c.1647+3G>A intronic variant results from a G to A substitution 3 nucleotides after coding exon 7 in the MBD4 gene. This nucleotide position is not well conserved in available vertebrate species. In silico splice site analysis predicts that this alteration will not have any significant effect on splicing. Based on the available evidence, the clinical significance of this variant remains unclear.

Literature cited by the submitters: PubMed 17576681 (cited by Labcorp Genetics (formerly Invitae), Labcorp); PubMed 9536098 (cited by Labcorp Genetics (formerly Invitae), Labcorp).

NM_001276270.2(MBD4):c.1647+3G>A

Gene: MBD4 (methyl-CpG binding domain 4, DNA glycosylase; minus strand). Cytogenetic location: 3q21.3.
Variant type: single nucleotide variant.
Coding change: c.1647+3G>A on transcript NM_001276270.2 (MANE Select); 3 bases into the intron after coding-DNA position 1647, G replaced by A.
Molecular consequence: intron variant. On other transcripts: synonymous variant (1).
Genome position (GRCh38, 1-based): chr3:129,432,500, C>T on the plus strand (G>A on the coding strand, the complement: MBD4 is on the minus strand). VCF-style: chr3-129432500-C-T. GRCh37 (hg19) VCF-style: chr3-129151343-C-T.
Other names: c.1668G>A, p.Val556= (NM_001276271.2); c.711+3G>A (NM_001276273.2); c.1612+56G>A (NM_001276272.2); c.1665+3G>A (NM_003925.3).
Identifiers: ClinVar variation 3017227 (VCV003017227.5), dbSNP rs1300493197, ClinGen allele CA898759610.